The following is an entry in ClinVar:

ClinVar aggregate classification (germline): Pathogenic/Likely pathogenic. Review status: criteria provided, multiple submitters, no conflicts (2 of 4 stars). 6 submissions from 6 submitters: Pathogenic (3); Likely pathogenic (1). 2 of the submissions do not count toward it. Last evaluated 2025-11-03.

Conditions:
Primary hyperoxaluria, type I (HP1). Also called: GLYCOLIC ACIDURIA; HEPATIC AGT DEFICIENCY; OXALOSIS I; Primary hyperoxaluria type 1. Identifiers: Orphanet 416, Orphanet 93598, MedGen C0268164, MONDO:0009823, OMIM 259900. Disease mechanism: loss of function.

Allele frequency attached by ClinVar (database versions not stated): TOPMed 0.00001; gnomAD 0.00003.

Submissions (6):

Natera, Inc.
Classification: Likely pathogenic for Primary hyperoxaluria type I. Last evaluated: 2025-11-03. Review status: criteria provided, single submitter. Criteria: Natera Variant Classification Schema (03/2026). Collection method: clinical testing. Allele origin: germline.
Comment: The c.481G>T variant in AGXT is a missense variant predicted to cause substitution of glycine to cysteine at amino acid 161. This variant is rare in the general population with a frequency below the threshold expected for the associated phenotype(s). This variant has been observed in one or more individuals affected with the associated recessive disease, as either homozygous or compound heterozygous with a second variant (PMID: 37849991). Functional studies show that this variant may disrupt protein function (PMID: 24055001). A different variant at the same position has been determined to be Pathogenic or Likely Pathogenic. Computational prediction algorithms indicate this variant is likely to affect gene or protein function. Given the available evidence, this variant is classified as Likely Pathogenic.

GeneDx
Classification: Pathogenic. Last evaluated: 2025-05-23. Review status: criteria provided, single submitter. Criteria: GeneDx Variant Classification Process June 2021. Collection method: clinical testing. Allele origin: germline. Affected: yes.
Comment: Not observed at significant frequency in large population cohorts (gnomAD); In silico analysis supports that this missense variant has a deleterious effect on protein structure/function; This variant is associated with the following publications: (PMID: 24055001, 22018727, 17495019, 24718375, 35237473, 23684498, 37849991, 25629080)

Labcorp Genetics (formerly Invitae), Labcorp
Classification: Pathogenic. Last evaluated: 2023-09-08. Review status: criteria provided, single submitter. Criteria: Invitae Variant Classification Sherloc (09022015). Collection method: clinical testing. Allele origin: germline.
Comment: This sequence change replaces glycine, which is neutral and non-polar, with cysteine, which is neutral and slightly polar, at codon 161 of the AGXT protein (p.Gly161Cys). The frequency data for this variant in the population databases is considered unreliable, as metrics indicate poor data quality at this position in the gnomAD database. This missense change has been observed in individual(s) with primary hyperoxaluria (PMID: 25629080; Invitae). In at least one individual the data is consistent with being in trans (on the opposite chromosome) from a pathogenic variant. ClinVar contains an entry for this variant (Variation ID: 188738). Advanced modeling of protein sequence and biophysical properties (such as structural, functional, and spatial information, amino acid conservation, physicochemical variation, residue mobility, and thermodynamic stability) performed at Invitae indicates that this missense variant is expected to disrupt AGXT protein function. Experimental studies have shown that this missense change affects AGXT function (PMID: 17495019, 22018727, 24055001, 24718375). This variant disrupts the p.Gly161 amino acid residue in AGXT. Other variant(s) that disrupt this residue have been observed in individuals with AGXT-related conditions (PMID: 15963748, 28893421), which suggests that this may be a clinically significant amino acid residue. For these reasons, this variant has been classified as Pathogenic.

Mayo Clinic Laboratories, Mayo Clinic
Classification: Pathogenic. Last evaluated: 2019-04-23. Review status: criteria provided, single submitter. Criteria: ACMG Guidelines, 2015. Collection method: clinical testing. Allele origin: germline. Observed: 1 variant allele.
Comment: PS3, PM1, PM2, PM5, PP4

Clinical Biochemistry Laboratory, Health Services Laboratory
Classification: Pathogenic for Primary hyperoxaluria, type I. Last evaluated: 2014-11-27. Review status: no assertion criteria provided. Collection method: in vitro. Allele origin: germline. Affected: yes. Not counted in ClinVar's aggregate classification.

Counsyl
Classification: Likely pathogenic for Primary hyperoxaluria, type I. Last evaluated: 2014-03-31. Review status: no assertion criteria provided. Collection method: literature only. Allele origin: unknown. Inheritance: Autosomal recessive inheritance. Not counted in ClinVar's aggregate classification.

Literature cited by the submitters: PubMed 37849991 (cited by Natera, Inc.); PubMed 24055001 (cited by 4 submitters); PubMed 25629080 (cited by Labcorp Genetics (formerly Invitae), Labcorp and Mayo Clinic Laboratories, Mayo Clinic); PubMed 17495019 (cited by 4 submitters); PubMed 22018727 (cited by 3 submitters); PubMed 24718375 (cited by 3 submitters); PubMed 15963748 (cited by Labcorp Genetics (formerly Invitae), Labcorp); PubMed 28893421 (cited by Labcorp Genetics (formerly Invitae), Labcorp); PubMed 19479957 (cited by Mayo Clinic Laboratories, Mayo Clinic); PubMed 26149463 (cited by Mayo Clinic Laboratories, Mayo Clinic); PubMed 25620715 (cited by Mayo Clinic Laboratories, Mayo Clinic).

NM_000030.3(AGXT):c.481G>T (p.Gly161Cys)

Gene: AGXT (alanine--glyoxylate aminotransferase; plus strand). Cytogenetic location: 2q37.3.
Variant type: single nucleotide variant.
Coding change: c.481G>T on transcript NM_000030.3 (MANE Select); coding-DNA position 481, G replaced by T.
Protein change: p.Gly161Cys; replaces glycine 161 with cysteine.
Molecular consequence: missense variant.
Genome position (GRCh38, 1-based): chr2:240,871,406, G>T. VCF-style: chr2-240871406-G-T. GRCh37 (hg19) VCF-style: chr2-241810823-G-T.
Other names: short protein forms G161C.
Identifiers: ClinVar variation 188738 (VCV000188738.20), dbSNP rs180177227, ClinGen allele CA273897.